The following is an entry in ClinVar:

NM_002421.4(MMP1):c.286G>A (p.Asp96Asn)

Gene: MMP1 (matrix metallopeptidase 1; minus strand). Cytogenetic location: 11q22.2.
Variant type: single nucleotide variant.
Coding change: c.286G>A on transcript NM_002421.4 (MANE Select); coding-DNA position 286, G replaced by A.
Protein change: p.Asp96Asn; replaces aspartic acid 96 with asparagine.
Molecular consequence: missense variant.
Genome position (GRCh38, 1-based): chr11:102,797,320, C>T on the plus strand (G>A on the coding strand, the complement: MMP1 is on the minus strand). VCF-style: chr11-102797320-C-T. GRCh37 (hg19) VCF-style: chr11-102668051-C-T.
Other names: c.88G>A, p.Asp30Asn (NM_001145938.2); short protein forms D30N, D96N.
Identifiers: ClinVar variation 3354934 (VCV003354934.1).

ClinVar aggregate classification (germline): Likely benign (0 of 4 stars; one submission).

Conditions:
MMP1-related disorder. Also called: MMP1-related condition.

Submission:

PreventionGenetics, part of Exact Sciences
Classification: Likely benign for MMP1-related condition. Last evaluated: 2024-06-28. Review status: no assertion criteria provided. Collection method: clinical testing. Allele origin: germline.
Comment: This variant is classified as likely benign based on ACMG/AMP sequence variant interpretation guidelines (Richards et al. 2015 PMID: 25741868, with internal and published modifications).